The following is an entry in ClinVar:

ClinVar aggregate classification (germline): Pathogenic (1 of 4 stars; one submission).

Conditions:
Fanconi anemia (FA). Also called: Fanconi's anemia. Identifiers: Orphanet 84, MedGen C0015625, MeSH D005199, MONDO:0019391.

Submission:

Labcorp Genetics (formerly Invitae), Labcorp
Classification: Pathogenic for Fanconi anemia. Last evaluated: 2022-09-24. Review status: criteria provided, single submitter. Criteria: Invitae Variant Classification Sherloc (09022015). Collection method: clinical testing. Allele origin: unknown.
Comment: For these reasons, this variant has been classified as Pathogenic. A similar copy number variant has been observed in individual(s) with Fanconi anemia (PMID: 24584348). This variant is a gross deletion of the genomic region encompassing exon(s) 4-20 of the FANCA gene. This deletion is out-of-frame, and is expected to create a premature termination codon and result in an absent or disrupted protein product. Loss-of-function variants in FANCA are known to be pathogenic (PMID: 19367192).

Literature cited by the submitters: PubMed 24584348; PubMed 19367192.

NC_000016.9:g.(?_89845189)_(89877499_?)del

Gene: FANCA (FA complementation group A; minus strand). Cytogenetic location: 16q24.3.
Variant type: Deletion.
Identifiers: ClinVar variation 3243277 (VCV003243277.1).